The following is an entry in ClinVar:

ClinVar aggregate classification (germline): Pathogenic (1 of 4 stars; one submission).

Conditions:
X-linked Alport syndrome (ATS1). Also called: NEPHROPATHY AND DEAFNESS, X-LINKED; COL4A5-Related Nephropathy. Identifiers: Orphanet 63, Orphanet 88917, MedGen C4746986, MONDO:0010520, OMIM 301050.

Submission:

Centre de Génétique Humaine, Institut de Pathologie Et de Génétique
Classification: Pathogenic for X-linked Alport syndrome. Last evaluated: 2026-06-05. Review status: criteria provided, single submitter. Criteria: ACMG Guidelines, 2015. Collection method: clinical testing. Allele origin: maternal. Inheritance: X-linked dominant inheritance. Affected: yes. Observed: 1 variant allele, 1 heterozygote. Segregation with disease observed.
Comment: Deletion of exons 1 to 41 of COL4A5 gene, of whole COL4A6 gene, and exon 10 of MID2 gene (2A: 1). CNV segregates with a consistent phenotype observed in the patient’s family (5D:0,15)

NM_033380.3:g.(107927785_108667765)del

Gene: COL4A5 (collagen type IV alpha 5 chain; plus strand).
Variant type: Deletion.
Identifiers: ClinVar variation 5041987 (VCV005041987.1).